The following is an entry in ClinVar:

NM_001384125.1(BLTP1):c.4749G>A (p.Pro1583=)

Gene: BLTP1 (bridge-like lipid transfer protein family member 1; plus strand). Cytogenetic location: 4q27.
Variant type: single nucleotide variant.
Coding change: c.4749G>A on transcript NM_001384125.1 (MANE Select); coding-DNA position 4749, G replaced by A.
Protein change: p.Pro1583=; no amino-acid change (proline 1583 retained).
Molecular consequence: synonymous variant.
Genome position (GRCh38, 1-based): chr4:122,243,860, G>A. VCF-style: chr4-122243860-G-A. GRCh37 (hg19) VCF-style: chr4-123165015-G-A.
Other names: c.4749G>A, p.Pro1583= (NM_015312.4).
Identifiers: ClinVar variation 3049012 (VCV003049012.3), dbSNP rs141453932, ClinGen allele CA3066422.

ClinVar aggregate classification (germline): Likely benign. Review status: criteria provided, single submitter (1 of 4 stars). 2 submissions from 2 submitters: Likely benign (1). 1 of the submissions does not count toward it. Last evaluated 2024-01-22.

Conditions:
BLTP1-related disorder. Also called: BLTP1-related condition.

Allele frequency attached by ClinVar (database versions not stated): gnomAD 0.00046; TOPMed 0.00060; ExAC 0.00107; 1000 Genomes Project 30x 0.00187; 1000 Genomes Project 0.00220.
gnomAD v4.1: 450 of 1,585,188 alleles (0.028%); highest among the groups gnomAD compares: East Asian, 0.76%; 2 homozygotes.

Submissions (2):

Blueprint Genetics
Classification: Likely benign. Last evaluated: 2024-01-22. Review status: criteria provided, single submitter. Criteria: ACMG Guidelines, 2015. Collection method: clinical testing. Allele origin: germline.

PreventionGenetics, part of Exact Sciences
Classification: Benign for BLTP1-related condition. Last evaluated: 2019-04-01. Review status: no assertion criteria provided. Collection method: clinical testing. Allele origin: germline. Not counted in ClinVar's aggregate classification.
Comment: This variant is classified as benign based on ACMG/AMP sequence variant interpretation guidelines (Richards et al. 2015 PMID: 25741868, with internal and published modifications).